The following is an entry in ClinVar:

NM_024598.4(USB1):c.598A>C (p.Thr200Pro)

Gene: USB1 (U6 snRNA biogenesis phosphodiesterase 1; plus strand). Cytogenetic location: 16q21.
Variant type: single nucleotide variant.
Coding change: c.598A>C on transcript NM_024598.4 (MANE Select); coding-DNA position 598, A replaced by C.
Protein change: p.Thr200Pro; replaces threonine 200 with proline.
Molecular consequence: missense variant.
Genome position (GRCh38, 1-based): chr16:58,017,428, A>C. VCF-style: chr16-58017428-A-C. GRCh37 (hg19) VCF-style: chr16-58051332-A-C.
Other names: c.544A>C, p.Thr182Pro (NM_001195302.2); c.445A>C, p.Thr149Pro (NM_001330568.2); short protein forms T149P, T182P, T200P.
Identifiers: ClinVar variation 4634219 (VCV004634219.1).

ClinVar aggregate classification (germline): Uncertain significance (1 of 4 stars; one submission).

Conditions:
Inborn genetic diseases. Identifiers: MedGen C0950123, MeSH D030342.

Submission:

Ambry Genetics
Classification: Uncertain significance for Inborn genetic diseases. Last evaluated: 2025-11-30. Review status: criteria provided, single submitter. Criteria: Ambry Variant Classification Scheme 2023. Collection method: clinical testing. Allele origin: germline.
Comment: The p.T200P variant (also known as c.598A>C), located in coding exon 5 of the USB1 gene, results from an A to C substitution at nucleotide position 598. The threonine at codon 200 is replaced by proline, an amino acid with highly similar properties. This amino acid position is conserved. In addition, the in silico prediction for this alteration is inconclusive. Based on the available evidence, the clinical significance of this variant remains unclear.